The following is an entry in ClinVar:

NM_152383.5(DIS3L2):c.64G>C (p.Val22Leu)

Gene: DIS3L2 (DIS3 like 3'-5' exoribonuclease 2; plus strand). Cytogenetic location: 2q37.1.
Variant type: single nucleotide variant.
Coding change: c.64G>C on transcript NM_152383.5 (MANE Select); coding-DNA position 64, G replaced by C.
Protein change: p.Val22Leu; replaces valine 22 with leucine.
Molecular consequence: missense variant. On other transcripts: non-coding transcript variant (2).
Genome position (GRCh38, 1-based): chr2:232,015,525, G>C. VCF-style: chr2-232015525-G-C. GRCh37 (hg19) VCF-style: chr2-232880235-G-C.
Other names: c.64G>C, p.Val22Leu (NM_001257281.2, NM_001257282.2); short protein forms V22L.
Identifiers: ClinVar variation 463124 (VCV000463124.13), dbSNP rs183463487, ClinGen allele CA2163708.

ClinVar aggregate classification (germline): Uncertain significance. Review status: criteria provided, multiple submitters, no conflicts (2 of 4 stars). 3 submissions from 3 submitters: Uncertain significance (3). Last evaluated 2025-11-03.

Conditions:
Inborn genetic diseases. Identifiers: MedGen C0950123, MeSH D030342.
Perlman syndrome (PRLMNS). Identifiers: Orphanet 2849, MedGen C0796113, MONDO:0009965, OMIM 267000.

Allele frequency attached by ClinVar (database versions not stated): gnomAD 0.00001; TOPMed 0.00001; gnomAD exomes 0.00004 and 0.00007; ExAC 0.00009; 1000 Genomes Project 0.00040; 1000 Genomes Project 30x 0.00047.
gnomAD v4.1: 22 of 1,613,918 alleles (0.0014%); highest among the groups gnomAD compares: Admixed American, 0.035%; no homozygotes.

Submissions (3):

Labcorp Genetics (formerly Invitae), Labcorp
Classification: Uncertain significance for Perlman syndrome. Last evaluated: 2025-11-03. Review status: criteria provided, single submitter. Criteria: Invitae Variant Classification Sherloc (09022015). Collection method: clinical testing. Allele origin: germline.
Comment: This sequence change replaces valine, which is neutral and non-polar, with leucine, which is neutral and non-polar, at codon 22 of the DIS3L2 protein (p.Val22Leu). This variant is present in population databases (rs183463487, gnomAD 0.05%). This variant has not been reported in the literature in individuals affected with DIS3L2-related conditions. ClinVar contains an entry for this variant (Variation ID: 463124). An algorithm developed to predict the effect of missense changes on protein structure and function outputs the following: PolyPhen-2: "Benign". The leucine amino acid residue is found in multiple mammalian species, which suggests that this missense change does not adversely affect protein function. In summary, the available evidence is currently insufficient to determine the role of this variant in disease. Therefore, it has been classified as a Variant of Uncertain Significance.

Ambry Genetics
Classification: Uncertain significance for Inborn genetic diseases. Last evaluated: 2021-09-16. Review status: criteria provided, single submitter. Criteria: Ambry Variant Classification Scheme 2023. Collection method: clinical testing. Allele origin: germline.

Baylor Genetics
Classification: Uncertain significance for Perlman syndrome. Last evaluated: 2021-05-31. Review status: criteria provided, single submitter. Criteria: ACMG Guidelines, 2015. Collection method: clinical testing. Allele origin: unknown. Affected: yes. Study: CSER-TexasKidsCanSeq.
Comment: This variant was determined to be of uncertain significance according to ACMG Guidelines, 2015 [PMID:25741868].